The following is an entry in ClinVar:

NM_017636.4(TRPM4):c.3389A>G (p.Glu1130Gly)

Gene: TRPM4 (transient receptor potential cation channel subfamily M member 4; plus strand). Cytogenetic location: 19q13.33.
Variant type: single nucleotide variant.
Coding change: c.3389A>G on transcript NM_017636.4 (MANE Select); coding-DNA position 3389, A replaced by G.
Protein change: p.Glu1130Gly; replaces glutamic acid 1130 with glycine.
Molecular consequence: missense variant.
Genome position (GRCh38, 1-based): chr19:49,210,770, A>G. VCF-style: chr19-49210770-A-G. GRCh37 (hg19) VCF-style: chr19-49714027-A-G.
Other names: c.3389A>G (NM_017636.3); c.2954A>G, p.Glu985Gly (NM_001195227.2); c.3044A>G, p.Glu1015Gly (NM_001321281.2); c.1781A>G, p.Glu594Gly (NM_001321282.2); c.2867A>G, p.Glu956Gly (NM_001321283.2); c.2327A>G, p.Glu776Gly (NM_001321285.2); short protein forms E1015G, E1130G, E594G, E776G, E956G, E985G.
Identifiers: ClinVar variation 1677794 (VCV001677794.2), dbSNP rs2145998280, ClinGen allele CA406773106.

ClinVar aggregate classification (germline): Uncertain significance. Review status: criteria provided, multiple submitters, no conflicts (2 of 4 stars). 2 submissions from 2 submitters: Uncertain significance (2). Last evaluated 2025-06-22.

Conditions:
Cardiovascular phenotype. Identifiers: MedGen CN230736.

gnomAD v4.1: 31 of 1,614,102 alleles (0.0019%); highest among the groups gnomAD compares: Non-Finnish European, 0.0021%; no homozygotes.

Submissions (2):

Ambry Genetics
Classification: Uncertain significance for Cardiovascular phenotype. Last evaluated: 2025-06-22. Review status: criteria provided, single submitter. Criteria: Ambry Variant Classification Scheme 2023. Collection method: clinical testing. Allele origin: germline.
Comment: The p.E1130G variant (also known as c.3389A>G), located in coding exon 22 of the TRPM4 gene, results from an A to G substitution at nucleotide position 3389. The glutamic acid at codon 1130 is replaced by glycine, an amino acid with similar properties. This amino acid position is conserved. In addition, this alteration is predicted to be deleterious by in silico analysis. Based on the available evidence, the clinical significance of this variant remains unclear.

AiLife Diagnostics
Classification: Uncertain significance. Last evaluated: 2022-01-07. Review status: criteria provided, single submitter. Criteria: ACMG Guidelines, 2015. Collection method: clinical testing. Allele origin: germline. Affected: yes. Observed: 1 variant allele.